The following is an entry in ClinVar:

NM_001304438.2(TMEM132E):c.1558C>T (p.Arg520Cys)

Gene: TMEM132E (transmembrane protein 132E; plus strand). Cytogenetic location: 17q12.
Variant type: single nucleotide variant.
Coding change: c.1558C>T on transcript NM_001304438.2 (MANE Select); coding-DNA position 1558, C replaced by T.
Protein change: p.Arg520Cys; replaces arginine 520 with cysteine.
Molecular consequence: missense variant.
Genome position (GRCh38, 1-based): chr17:34,632,779, C>T. VCF-style: chr17-34632779-C-T. GRCh37 (hg19) VCF-style: chr17-32959798-C-T.
Other names: short protein forms R520C.
Identifiers: ClinVar variation 1502482 (VCV001502482.6), dbSNP rs752613375, ClinGen allele CA8496742.
Genomic context (GRCh38, chr17:34,632,779, plus strand): 5'-GACTACGTGTTTGTGAGTGGAAAAGAGTCTCGAGGGTCCATGAACGCCAGGGTCACCTTC[C>T]GCTACGACGTCCTCAATGCTCCCCTGGAAATGACAGTCTGGGTCCCCAAGCTGCCCTTGC-3'
Protein context (NP_001291367.1, residues 510-530): RGSMNARVTF[Arg520Cys]YDVLNAPLEM

ClinVar aggregate classification (germline): Uncertain significance (1 of 4 stars; one submission).

Allele frequency attached by ClinVar (database versions not stated): ExAC 0.00002; gnomAD 0.00002 and 0.00003; TOPMed 0.00003; gnomAD exomes 0.00001.

Submission:

Labcorp Genetics (formerly Invitae), Labcorp
Classification: Uncertain significance. Last evaluated: 2021-08-31. Review status: criteria provided, single submitter. Criteria: Invitae Variant Classification Sherloc (09022015). Collection method: clinical testing. Allele origin: germline.
Comment: In summary, the available evidence is currently insufficient to determine the role of this variant in disease. Therefore, it has been classified as a Variant of Uncertain Significance. Algorithms developed to predict the effect of missense changes on protein structure and function are either unavailable or do not agree on the potential impact of this missense change (SIFT: "Deleterious"; PolyPhen-2: "Not Available"; Align-GVGD: "Class C0"). This variant has not been reported in the literature in individuals affected with TMEM132E-related conditions. This variant is present in population databases (rs752613375, ExAC 0.02%). This sequence change replaces arginine with cysteine at codon 520 of the TMEM132E protein (p.Arg520Cys). The arginine residue is weakly conserved and there is a large physicochemical difference between arginine and cysteine.